The following is an entry in ClinVar:

NM_005548.3(KARS1):c.1657C>T (p.Arg553Ter)

Gene: KARS1 (lysyl-tRNA synthetase 1; minus strand). Cytogenetic location: 16q23.1.
Variant type: single nucleotide variant.
Coding change: c.1657C>T on transcript NM_005548.3 (MANE Select); coding-DNA position 1657, C replaced by T.
Protein change: p.Arg553Ter; replaces arginine 553 with a stop codon.
Molecular consequence: nonsense.
Genome position (GRCh38, 1-based): chr16:75,628,607, G>A on the plus strand (C>T on the coding strand, the complement: KARS1 is on the minus strand). VCF-style: chr16-75628607-G-A. GRCh37 (hg19) VCF-style: chr16-75662505-G-A.
Other names: p.Arg581*; c.1741C>T, p.Arg581Ter (NM_001130089.2); c.1189C>T, p.Arg397Ter (NM_001378148.1); short protein forms R397*, R553*, R581*.
Identifiers: ClinVar variation 2504075 (VCV002504075.2), dbSNP rs916922696, ClinGen allele CA284315942.

ClinVar aggregate classification (germline): Likely pathogenic (1 of 4 stars; one submission).

gnomAD v4.1: 6 of 1,613,954 alleles (0.00037%); highest among the groups gnomAD compares: Non-Finnish European, 0.00042%; no homozygotes.

Submission:

Mayo Clinic Laboratories, Mayo Clinic
Classification: Likely pathogenic. Last evaluated: 2021-04-27. Review status: criteria provided, single submitter. Criteria: ACMG Guidelines, 2015. Collection method: clinical testing. Allele origin: germline.
Comment: PVS1, PM2